The following is an entry in ClinVar:

ClinVar aggregate classification (germline): Uncertain significance. Review status: criteria provided, multiple submitters, no conflicts (2 of 4 stars). 2 submissions from 2 submitters: Uncertain significance (2). Last evaluated 2023-12-18.

Conditions:
Neurofibromatosis, type 2 (SWNV). Also called: BILATERAL ACOUSTIC NEUROFIBROMATOSIS; SCHWANNOMATOSIS, VESTIBULAR; NF2-Related Schwannomatosis. Identifiers: Orphanet 637, MedGen C0027832, MONDO:0007039, OMIM 101000. Disease mechanism: loss of function.
Hereditary cancer-predisposing syndrome. Also called: Neoplastic Syndromes, Hereditary; Hereditary Cancer Syndrome; Tumor predisposition; Hereditary neoplastic syndrome. Identifiers: Orphanet 140162, MedGen C0027672, MeSH D009386, MONDO:0015356.

Submissions (2):

All of Us Research Program, National Institutes of Health
Classification: Uncertain significance for Neurofibromatosis, type 2. Last evaluated: 2023-12-18. Review status: criteria provided, single submitter. Criteria: ACMG Guidelines, 2015. Collection method: clinical testing. Allele origin: germline. Inheritance: Autosomal dominant inheritance. Observed: 1 variant allele, 1 heterozygote.
Comment: This variant deletes 4 nucleotides in exon 15 of the NF2 gene, causing a frameshift and addition of 1 new amino acid before introducing a stop codon. This results in a protein product that is 1 amino acid longer than the normal protein product. To our knowledge, functional studies have not been reported for this variant. To our knowledge, this variant has not been reported in individuals affected with NF2-related disorders in the literature. This variant has not been identified in the general population by the Genome Aggregation Database (gnomAD). The available evidence is insufficient to determine the role of this variant in disease conclusively. Therefore, this variant is classified as a Variant of Uncertain Significance.

This study involves interpretation of variants in research participants for the purpose of population health screening. Participant phenotype was not available at the time of variant classification. Additional details can be found in publication PMID: 35346344, PMCID: PMC8962531

Ambry Genetics
Classification: Uncertain significance for Hereditary cancer-predisposing syndrome. Last evaluated: 2023-05-16. Review status: criteria provided, single submitter. Criteria: Ambry Variant Classification Scheme 2023. Collection method: clinical testing. Allele origin: germline.
Comment: The c.1652_1655delTGAA variant, located in coding exon 15 of the NF2 gene, results from a deletion of 4 nucleotides at nucleotide positions 1652 to 1655, causing a translational frameshift with a predicted alternate stop codon (p.L551Qfs*47). This alteration occurs at the 3' terminus of theNF2 gene, is not expected to trigger nonsense-mediated mRNAdecay, and only impacts the last 7.5% of the protein. The exact functional effect of this alteration is unknown. Since supporting evidence is limited at this time, the clinical significance of this alteration remains unclear.

NM_000268.4(NF2):c.1652_1655del (p.Leu551fs)

Gene: NF2 (NF2, moesin-ezrin-radixin like (MERLIN) tumor suppressor; plus strand). Cytogenetic location: 22q12.2.
Variant type: Deletion.
Coding change: c.1652_1655del on transcript NM_000268.4 (MANE Select); coding-DNA positions 1652 to 1655, 4 bases deleted (TGAA; older notation c.1652_1655delTGAA).
Protein change: p.Leu551fs; shifts the reading frame from leucine 551.
Molecular consequence: frameshift variant. On other transcripts: intron variant (3).
Genome position (GRCh38, 1-based): chr22:29,681,516-29,681,519, TGAA deleted. VCF-style (leftmost placement, unchanged base first): chr22-29681515-CTGAA-C. GRCh37 (hg19) VCF-style: chr22-30077504-CTGAA-C.
Other names: c.1538_1541del, p.Leu513fs (NM_001407053.1, NM_001407056.1); c.1529_1532del, p.Leu510fs (NM_001407054.1, NM_001407058.1, NM_181829.3); c.1526_1529del, p.Leu509fs (NM_001407055.1, NM_181828.3); c.1517_1520del, p.Leu506fs (NM_001407057.1, NM_001407059.1); c.1394_1397del, p.Leu465fs (NM_001407062.1); c.1403_1406del, p.Leu468fs (NM_001407063.1, NM_181830.3, NM_181831.3); c.1118_1121del, p.Leu373fs (NM_001407065.1); c.1652_1655del, p.Leu551fs (NM_001407066.1, NM_016418.5, NM_181825.3 and 1 more transcripts); and 4 more; short protein forms L468fs, L506fs, L509fs, L551fs, L373fs, L465fs, L513fs, L510fs.
Identifiers: ClinVar variation 2568064 (VCV002568064.3), dbSNP rs2518735133, ClinGen allele CA2580615292.
Genomic context (GRCh38, chr22:29,681,515, plus strand): 5'-AAGAGCAAGCATCTGCAGGAGCAGCTCAATGAACTCAAGACAGAAATCGAGGCCTTGAAA[CTGAA>C]AGAGAGGGAGACAGCTCTGGATATTCTGCACAATGAGAACTCCGACAGGGGTGGCAGCAG-3'